The following is an entry in ClinVar:

NM_144631.6(ZNF513):c.1034G>A (p.Gly345Glu)

Gene: ZNF513 (zinc finger protein 513; minus strand). Cytogenetic location: 2p23.3.
Variant type: single nucleotide variant.
Coding change: c.1034G>A on transcript NM_144631.6 (MANE Select); coding-DNA position 1034, G replaced by A.
Protein change: p.Gly345Glu; replaces glycine 345 with glutamic acid.
Molecular consequence: missense variant.
Genome position (GRCh38, 1-based): chr2:27,378,137, C>T on the plus strand (G>A on the coding strand, the complement: ZNF513 is on the minus strand). VCF-style: chr2-27378137-C-T. GRCh37 (hg19) VCF-style: chr2-27601004-C-T.
Other names: c.848G>A, p.Gly283Glu (NM_001201459.2); short protein forms G345E, G283E.
Identifiers: ClinVar variation 2821340 (VCV002821340.3), dbSNP rs2465621225, ClinGen allele CA346216329.
Genomic context (GRCh38, chr2:27,378,137, plus strand): 5'-CAGAGGCTACAGGCAAAGCCTTTGTCACTGGGGCCCTGGGGCCCCCCACTGGCACCCCCT[C>T]CAGCCTCTCCTCGCATGCAGCGCCCACACATGGCAGCTCCCAGCCGACTACCCTCACCCT-3'
Protein context (NP_653232.3, residues 335-355): MCGRCMRGEA[Gly345Glu]GGASGGPQGP

ClinVar aggregate classification (germline): Uncertain significance (1 of 4 stars; one submission).

Submission:

Labcorp Genetics (formerly Invitae), Labcorp
Classification: Uncertain significance. Last evaluated: 2022-12-02. Review status: criteria provided, single submitter. Criteria: Invitae Variant Classification Sherloc (09022015). Collection method: clinical testing. Allele origin: germline.
Comment: In summary, the available evidence is currently insufficient to determine the role of this variant in disease. Therefore, it has been classified as a Variant of Uncertain Significance. Algorithms developed to predict the effect of missense changes on protein structure and function (SIFT, PolyPhen-2, Align-GVGD) all suggest that this variant is likely to be disruptive. This variant has not been reported in the literature in individuals affected with ZNF513-related conditions. This variant is not present in population databases (gnomAD no frequency). This sequence change replaces glycine, which is neutral and non-polar, with glutamic acid, which is acidic and polar, at codon 345 of the ZNF513 protein (p.Gly345Glu).